The following is an entry in ClinVar:

NM_058216.3(RAD51C):c.164C>T (p.Ala55Val)

Gene: RAD51C (RAD51 paralog C; plus strand). Cytogenetic location: 17q22.
Variant type: single nucleotide variant.
Coding change: c.164C>T on transcript NM_058216.3 (MANE Select); coding-DNA position 164, C replaced by T.
Protein change: p.Ala55Val; replaces alanine 55 with valine.
Molecular consequence: missense variant. On other transcripts: non-coding transcript variant (2).
Genome position (GRCh38, 1-based): chr17:58,694,949, C>T. VCF-style: chr17-58694949-C-T. GRCh37 (hg19) VCF-style: chr17-56772310-C-T.
Other names: p.A55V:GCA>GTA; c.164C>T, p.Ala55Val (NM_002876.4); short protein forms A55V.
Identifiers: ClinVar variation 182831 (VCV000182831.27), dbSNP rs730881928, ClinGen allele CA299873.
Genomic context (GRCh38, chr17:58,694,949, plus strand): 5'-ATCTCTAAAATTAGGGTTCTTTTTTTCTTATTTTACTTTCAGAAGTTGGGATATCTAAAG[C>T]AGAAGCCTTAGAAACTCTGCAAATTATCAGAAGAGAATGTCTCACAAATAAACCAAGATA-3'
Protein context (NP_478123.1, residues 45-65): ELSKEVGISK[Ala55Val]EALETLQIIR

ClinVar aggregate classification (germline): Conflicting classifications of pathogenicity. Review status: criteria provided, conflicting classifications (1 of 4 stars). 7 submissions from 7 submitters: Uncertain significance (6); Benign (1). Last evaluated 2025-12-10.

Conditions:
Breast-ovarian cancer, familial, susceptibility to, 3. Also called: RAD51C-Related Breast/Ovarian Cancer. Identifiers: Orphanet 145, MedGen C3150659, MONDO:0013253, OMIM 613399.
Fanconi anemia complementation group O. Also called: RAD51C-Related Fanconi Anemia. Identifiers: Orphanet 84, MedGen C3150653, MONDO:0013248, OMIM 613390.
Hereditary cancer-predisposing syndrome. Also called: Tumor predisposition; Hereditary Cancer Syndrome; Hereditary neoplastic syndrome; Neoplastic Syndromes, Hereditary. Identifiers: Orphanet 140162, MedGen C0027672, MeSH D009386, MONDO:0015356.

Allele frequency attached by ClinVar (database versions not stated): gnomAD 0.00001; gnomAD exomes 0.00001.
gnomAD v4.1: 11 of 1,613,722 alleles (0.00068%); highest among the groups gnomAD compares: Non-Finnish European, 0.00085%; no homozygotes.

Submissions (7):

Labcorp Genetics (formerly Invitae), Labcorp
Classification: Uncertain significance for Fanconi anemia complementation group O. Last evaluated: 2025-12-10. Review status: criteria provided, single submitter. Criteria: Invitae Variant Classification Sherloc (09022015). Collection method: clinical testing. Allele origin: germline.
Comment: This sequence change replaces alanine, which is neutral and non-polar, with valine, which is neutral and non-polar, at codon 55 of the RAD51C protein (p.Ala55Val). This variant is present in population databases (rs730881928, gnomAD 0.005%). This missense change has been observed in individual(s) with breast cancer (PMID: 28864920). ClinVar contains an entry for this variant (Variation ID: 182831). Invitae Evidence Modeling of protein sequence and biophysical properties (such as structural, functional, and spatial information, amino acid conservation, physicochemical variation, residue mobility, and thermodynamic stability) indicates that this missense variant is not expected to disrupt RAD51C protein function with a negative predictive value of 80%. Experimental studies have shown that this missense change does not substantially affect RAD51C function (PMID: 28864920). In summary, the available evidence is currently insufficient to determine the role of this variant in disease. Therefore, it has been classified as a Variant of Uncertain Significance.

Ambry Genetics
Classification: Benign for Hereditary cancer-predisposing syndrome. Last evaluated: 2024-08-23. Review status: criteria provided, single submitter. Criteria: Ambry Variant Classification Scheme 2023. Collection method: clinical testing. Allele origin: germline.

Color Diagnostics, LLC DBA Color Health
Classification: Uncertain significance for Hereditary cancer-predisposing syndrome. Last evaluated: 2023-11-21. Review status: criteria provided, single submitter. Criteria: ACMG Guidelines, 2015. Collection method: clinical testing. Allele origin: germline.
Comment: This missense variant replaces alanine with valine at codon 55 of the RAD51C protein. Computational prediction suggests that this variant may not impact protein structure and function. To our knowledge, functional studies have not been performed for this variant.This variant has been detected in a breast cancer case-control meta-analysis in 1/60466 cases and 3/53461 unaffected individuals (PMID: 33471991; Leiden Open Variation Database DB-ID RAD51C_000086). This variant has been identified in 4/282586 chromosomes in the general population by the Genome Aggregation Database (gnomAD). The available evidence is insufficient to determine the role of this variant in disease conclusively. Therefore, this variant is classified as a Variant of Uncertain Significance.

GeneDx
Classification: Uncertain significance. Last evaluated: 2023-07-26. Review status: criteria provided, single submitter. Criteria: GeneDx Variant Classification Process June 2021. Collection method: clinical testing. Allele origin: germline. Affected: yes.
Comment: Not observed at significant frequency in large population cohorts (gnomAD); In silico analysis supports that this missense variant does not alter protein structure/function; Observed in an individual with breast cancer and in unaffected controls (Dorling et al., 2021); This variant is associated with the following publications: (PMID: 35624308, 33471991)

Sema4
Classification: Uncertain significance for Hereditary cancer-predisposing syndrome. Last evaluated: 2022-03-01. Review status: criteria provided, single submitter. Criteria: Sema4 Curation Guidelines. Collection method: curation. Allele origin: germline.
Comment: The RAD51C c.164C>T (p.A55V) variant has been reported in heterozygosity in at least two individuals with breast cancer (PMID: 28864920, 33471991). This variant was observed in 1/19952 chromosomes in the East Asian population according to the Genome Aggregation Database (PMID: 32461654). The variant has been reported in ClinVar (Variation ID: 182831). In silico tools suggest the impact of the variant on protein function is benign and a yeast-two hybrid functional assay demonstrated the normal function of the protein (PMID: 28864920). The evidence is insufficient to meet ACMG/AMP criteria for classifying the variant as benign or pathogenic. Based on the current evidence available, this variant is interpreted as a variant of uncertain significance.

Fulgent Genetics
Classification: Uncertain significance for Fanconi anemia complementation group O; Breast-ovarian cancer, familial, susceptibility to, 3. Last evaluated: 2021-10-12. Review status: criteria provided, single submitter. Criteria: ACMG Guidelines, 2015. Collection method: clinical testing. Allele origin: unknown.

Quest Diagnostics Nichols Institute San Juan Capistrano
Classification: Uncertain significance. Last evaluated: 2018-03-13. Review status: criteria provided, single submitter. Criteria: Quest Diagnostics criteria. Collection method: clinical testing. Allele origin: germline.

Literature cited by the submitters: PubMed 28864920 (cited by Labcorp Genetics (formerly Invitae), Labcorp and Sema4); PubMed 37253112 (cited by Ambry Genetics); PubMed 33471991 (cited by Color Diagnostics, LLC DBA Color Health and Sema4).